The following is an entry in ClinVar:

ClinVar aggregate classification (germline): Benign/Likely benign. Review status: criteria provided, multiple submitters, no conflicts (2 of 4 stars). 8 submissions from 8 submitters: Benign (1); Likely benign (7). Last evaluated 2025-11-10.

Conditions:
Familial melanoma. Also called: Hereditary melanoma; Hereditary cutaneous melanoma. Identifiers: Orphanet 618, MedGen C1512419, MONDO:0018961.
Hereditary cancer-predisposing syndrome. Also called: Tumor predisposition; Neoplastic Syndromes, Hereditary; Hereditary Cancer Syndrome; Hereditary neoplastic syndrome. Identifiers: Orphanet 140162, MedGen C0027672, MeSH D009386, MONDO:0015356.
Melanoma-pancreatic cancer syndrome. Identifiers: Orphanet 404560, MedGen C1838547, MONDO:0011713, OMIM 606719. Disease mechanism: loss of function.

Allele frequency attached by ClinVar (database versions not stated): gnomAD exomes below 0.00001; ExAC 0.00001; gnomAD 0.00001; TOPMed 0.00001.
gnomAD v4.1: 4 of 1,613,902 alleles (0.00025%); highest among the groups gnomAD compares: South Asian, 0.0022%; no homozygotes.

Submissions (8):

Labcorp Genetics (formerly Invitae), Labcorp
Classification: Likely benign for Familial melanoma. Last evaluated: 2025-11-10. Review status: criteria provided, single submitter. Criteria: Invitae Variant Classification Sherloc (09022015). Collection method: clinical testing. Allele origin: germline.

Myriad Genetics, Inc.
Classification: Benign for Melanoma-pancreatic cancer syndrome. Last evaluated: 2025-08-20. Review status: criteria provided, single submitter. Criteria: Myriad Autosomal Dominant, Autosomal Recessive and X-Linked Classification Criteria (2023). Collection method: clinical testing. Allele origin: unknown.
Comment: This variant is considered benign. This variant is a silent/synonymous amino acid change and it is not expected to impact splicing.

Quest Diagnostics Nichols Institute San Juan Capistrano
Classification: Likely benign. Last evaluated: 2022-09-29. Review status: criteria provided, single submitter. Criteria: Quest Diagnostics criteria. Collection method: clinical testing. Allele origin: unknown.

Blueprint Genetics
Classification: Likely benign. Last evaluated: 2022-06-28. Review status: criteria provided, single submitter. Criteria: ACMG Guidelines, 2015. Collection method: clinical testing. Allele origin: germline.

GeneDx
Classification: Likely benign. Last evaluated: 2021-02-28. Review status: criteria provided, single submitter. Criteria: GeneDx Variant Classification Process June 2021. Collection method: clinical testing. Allele origin: germline. Affected: yes.

CeGaT Center for Human Genetics Tuebingen
Classification: Likely benign. Last evaluated: 2018-06-01. Review status: criteria provided, single submitter. Criteria: CeGaT Center For Human Genetics Tuebingen Variant Classification Criteria Version 2. Collection method: clinical testing. Allele origin: germline. Affected: yes. Observed: 1 variant allele.

Color Diagnostics, LLC DBA Color Health
Classification: Likely benign for Hereditary cancer-predisposing syndrome. Last evaluated: 2017-10-23. Review status: criteria provided, single submitter. Criteria: ACMG Guidelines, 2015. Collection method: clinical testing. Allele origin: germline.

Ambry Genetics
Classification: Likely benign for Hereditary cancer-predisposing syndrome. Last evaluated: 2017-03-31. Review status: criteria provided, single submitter. Criteria: Ambry Variant Classification Scheme 2023. Collection method: clinical testing. Allele origin: germline.

NM_000077.5(CDKN2A):c.468T>C (p.Asp156=)

Gene: CDKN2A (cyclin dependent kinase inhibitor 2A; minus strand). Cytogenetic location: 9p21.3.
Variant type: single nucleotide variant.
Coding change: c.468T>C on transcript NM_000077.5; coding-DNA position 468, T replaced by C.
Protein change: p.Asp156=; no amino-acid change (aspartic acid 156 retained).
Molecular consequence: synonymous variant (on NM_000077.6). On other transcripts: 3 prime UTR variant (3).
Genome position (GRCh38, 1-based): chr9:21,968,232, A>G on the plus strand (T>C on the coding strand, the complement: CDKN2A is on the minus strand). VCF-style: chr9-21968232-A-G. GRCh37 (hg19) VCF-style: chr9-21968231-A-G.
Other names: c.468T>C, p.Asp156= (NM_000077.6); c.*161T>C (NM_001195132.2); c.315T>C, p.Asp105= (NM_001363763.2); c.*112T>C (NM_058195.4); c.*391T>C (NM_058197.5).
Identifiers: ClinVar variation 215633 (VCV000215633.59), dbSNP rs749753811, ClinGen allele CA336186.